The following is an entry in ClinVar:

NM_032043.3(BRIP1):c.2570T>G (p.Ile857Arg)

Gene: BRIP1 (BRCA1 interacting DNA helicase 1; minus strand). Cytogenetic location: 17q23.2.
Variant type: single nucleotide variant.
Coding change: c.2570T>G on transcript NM_032043.3 (MANE Select); coding-DNA position 2570, T replaced by G.
Protein change: p.Ile857Arg; replaces isoleucine 857 with arginine.
Molecular consequence: missense variant.
Genome position (GRCh38, 1-based): chr17:61,693,435, A>C on the plus strand (T>G on the coding strand, the complement: BRIP1 is on the minus strand). VCF-style: chr17-61693435-A-C. GRCh37 (hg19) VCF-style: chr17-59770796-A-C.
Other names: short protein forms I857R.
Identifiers: ClinVar variation 3825690 (VCV003825690.1).

ClinVar aggregate classification (germline): Uncertain significance (1 of 4 stars; one submission).

Conditions:
Hereditary cancer-predisposing syndrome. Also called: Hereditary neoplastic syndrome; Neoplastic Syndromes, Hereditary; Tumor predisposition; Hereditary Cancer Syndrome. Identifiers: Orphanet 140162, MedGen C0027672, MeSH D009386, MONDO:0015356.

Submission:

Ambry Genetics
Classification: Uncertain significance for Hereditary cancer-predisposing syndrome. Last evaluated: 2025-02-12. Review status: criteria provided, single submitter. Criteria: Ambry Variant Classification Scheme 2023. Collection method: clinical testing. Allele origin: germline.
Comment: The p.I857R variant (also known as c.2570T>G), located in coding exon 17 of the BRIP1 gene, results from a T to G substitution at nucleotide position 2570. The isoleucine at codon 857 is replaced by arginine, an amino acid with similar properties. This amino acid position is conserved. In addition, this alteration is predicted to be deleterious by in silico analysis. Based on the available evidence, the clinical significance of this variant remains unclear.